The following is an entry in ClinVar:

NM_000083.3(CLCN1):c.1781G>T (p.Gly594Val)

Gene: CLCN1 (chloride voltage-gated channel 1; plus strand). Cytogenetic location: 7q34.
Variant type: single nucleotide variant.
Coding change: c.1781G>T on transcript NM_000083.3 (MANE Select); coding-DNA position 1781, G replaced by T.
Protein change: p.Gly594Val; replaces glycine 594 with valine.
Molecular consequence: missense variant. On other transcripts: non-coding transcript variant (1).
Genome position (GRCh38, 1-based): chr7:143,342,127, G>T. VCF-style: chr7-143342127-G-T. GRCh37 (hg19) VCF-style: chr7-143039220-G-T.
Other names: short protein forms G594V.
Identifiers: ClinVar variation 359112 (VCV000359112.17), dbSNP rs746346988, ClinGen allele CA4537467.
Genomic context (GRCh38, chr7:143,342,127, plus strand): 5'-AGCCCTCTCTCTATGACAGCATCATCCAGGTCAAGAAGCTACCCTACTTGCCTGACCTTG[G>T]CTGGAACCAGCTCAGGTCAGGGGCACTAGACGGAATTAGTTCAGATCTGATGGGGAGAGT-3'
Protein context (NP_000074.3, residues 584-604): VKKLPYLPDL[Gly594Val]WNQLSKYTIF

ClinVar aggregate classification (germline): Uncertain significance. Review status: criteria provided, multiple submitters, no conflicts (2 of 4 stars). 4 submissions from 4 submitters: Uncertain significance (4). Last evaluated 2026-01-07.

Conditions:
Batten-Turner congenital myopathy. Also called: Myotonia congenita; Congenital myotonia. Identifiers: Orphanet 206973, MedGen C0027127, MONDO:0100468, OMIM 255300.
Congenital myotonia, autosomal recessive form. Also called: BECKER DISEASE; myotonia congenita, autosomal recessive; Becker Generalized Myotonia. Identifiers: Orphanet 614, MedGen C0751360, MONDO:0009715, OMIM 255700.
Congenital myotonia, autosomal dominant form (THD). Also called: Myotonia congenita autosomal dominant; THOMSEN DISEASE. Identifiers: Orphanet 614, MedGen C2936781, MONDO:0008055, OMIM 160800.

Allele frequency attached by ClinVar (database versions not stated): gnomAD exomes 0.00001 and 0.00002; ExAC 0.00002; gnomAD 0.00002; TOPMed 0.00002.
gnomAD v4.1: 37 of 1,614,010 alleles (0.0023%); highest among the groups gnomAD compares: Non-Finnish European, 0.0028%; no homozygotes.

Submissions (4):

Labcorp Genetics (formerly Invitae), Labcorp
Classification: Uncertain significance for Congenital myotonia, autosomal recessive form; Congenital myotonia, autosomal dominant form. Last evaluated: 2026-01-07. Review status: criteria provided, single submitter. Criteria: Invitae Variant Classification Sherloc (09022015). Collection method: clinical testing. Allele origin: germline.
Comment: This sequence change replaces glycine, which is neutral and non-polar, with valine, which is neutral and non-polar, at codon 594 of the CLCN1 protein (p.Gly594Val). This variant is present in population databases (rs746346988, gnomAD 0.003%). This missense change has been observed in individual(s) with clinical features of myotonia congenita (PMID: 34529042). ClinVar contains an entry for this variant (Variation ID: 359112). Invitae Evidence Modeling of protein sequence and biophysical properties (such as structural, functional, and spatial information, amino acid conservation, physicochemical variation, residue mobility, and thermodynamic stability) has been performed for this missense variant. However, the output from this modeling did not meet the statistical confidence thresholds required to predict the impact of this variant on CLCN1 protein function. Experimental studies have shown that this missense change does not substantially affect CLCN1 function (PMID: 34529042). In summary, the available evidence is currently insufficient to determine the role of this variant in disease. Therefore, it has been classified as a Variant of Uncertain Significance.

Revvity Omics, Revvity
Classification: Uncertain significance. Last evaluated: 2019-12-30. Review status: criteria provided, single submitter. Criteria: ACMG Guidelines, 2015. Collection method: clinical testing. Allele origin: germline.

GeneDx
Classification: Uncertain significance. Last evaluated: 2019-05-29. Review status: criteria provided, single submitter. Criteria: GeneDx Variant Classification Process June 2021. Collection method: clinical testing. Allele origin: germline. Affected: yes.
Comment: Not observed at a significant frequency in large population cohorts (Lek et al., 2016); In silico analysis, which includes protein predictors and evolutionary conservation, supports a deleterious effect; Has not been previously published as pathogenic or benign to our knowledge

Illumina Laboratory Services, Illumina
Classification: Uncertain significance for Myotonia congenita. Last evaluated: 2018-01-13. Review status: criteria provided, single submitter. Criteria: ICSL Variant Classification Criteria 13 December 2019. Collection method: clinical testing. Allele origin: germline.

Literature cited by the submitters: PubMed 34529042 (cited by Labcorp Genetics (formerly Invitae), Labcorp).